The following is an entry in ClinVar:

NM_000540.3(RYR1):c.9948G>A (p.Leu3316=)

Gene: RYR1 (ryanodine receptor 1; plus strand). Cytogenetic location: 19q13.2.
Variant type: single nucleotide variant.
Coding change: c.9948G>A on transcript NM_000540.3 (MANE Select); coding-DNA position 9948, G replaced by A.
Protein change: p.Leu3316=; no amino-acid change (leucine 3316 retained).
Molecular consequence: synonymous variant.
Genome position (GRCh38, 1-based): chr19:38,517,621, G>A. VCF-style: chr19-38517621-G-A. GRCh37 (hg19) VCF-style: chr19-39008261-G-A.
Other names: c.9948G>A, p.Leu3316= (NM_001042723.2).
Identifiers: ClinVar variation 2910429 (VCV002910429.4), dbSNP rs2514434255, ClinGen allele CA507247367.

ClinVar aggregate classification (germline): Uncertain significance. Review status: criteria provided, multiple submitters, no conflicts (2 of 4 stars). 2 submissions from 2 submitters: Uncertain significance (2). Last evaluated 2024-07-29.

Conditions:
Malignant hyperthermia, susceptibility to, 1 (MHS1). Also called: Malignant hyperthermia suceptibility 1; Anesthesia related hyperthermia; Malignant hyperpyrexia; Fulminating hyperpyrexia; Pharmacogenic myopathy; RYR1-Related Malignant Hyperthermia Susceptibility. Identifiers: Orphanet 423, MedGen C2930980, MONDO:0007783, OMIM 145600.
RYR1-related disorder. Also called: RYR1-related disorders; RYR1-related condition. Identifiers: MedGen CN239331.

gnomAD v4.1: 3 of 1,614,176 alleles (0.00019%); highest among the groups gnomAD compares: Non-Finnish European, 0.00025%; no homozygotes.

Submissions (2):

All of Us Research Program, National Institutes of Health
Classification: Uncertain significance for Malignant hyperthermia, susceptibility to, 1. Last evaluated: 2024-07-29. Review status: criteria provided, single submitter. Criteria: ACMG Guidelines, 2015. Collection method: clinical testing. Allele origin: germline. Inheritance: Autosomal dominant inheritance. Observed: 1 variant allele, 1 heterozygote.
Comment: This variant is located in the RYR1 protein. To our knowledge, functional studies have not been reported for this variant. This variant has not been reported in individuals affected with RYR1-related disorders in the literature. This variant has not been identified in the general population by the Genome Aggregation Database (gnomAD). The available evidence is insufficient to determine the role of this variant in disease conclusively. Therefore, this variant is classified as a Variant of Uncertain Significance.

This study involves interpretation of variants in research participants for the purpose of population health screening. Participant phenotype was not available at the time of variant classification. Additional details can be found in publication PMID: 35346344, PMCID: PMC8962531

Labcorp Genetics (formerly Invitae), Labcorp
Classification: Uncertain significance for RYR1-related disorder. Last evaluated: 2023-03-19. Review status: criteria provided, single submitter. Criteria: Invitae Variant Classification Sherloc (09022015). Collection method: clinical testing. Allele origin: germline.
Comment: This variant is not present in population databases (gnomAD no frequency). In summary, the available evidence is currently insufficient to determine the role of this variant in disease. Therefore, it has been classified as a Variant of Uncertain Significance. Algorithms developed to predict the effect of sequence changes on RNA splicing suggest that this variant may create or strengthen a splice site. This variant has not been reported in the literature in individuals affected with RYR1-related conditions. This sequence change affects codon 3316 of the RYR1 mRNA. It is a 'silent' change, meaning that it does not change the encoded amino acid sequence of the RYR1 protein.